The following is an entry in ClinVar:

NM_018136.5(ASPM):c.4583del (p.Lys1528fs)

Gene: ASPM (assembly factor for spindle microtubules; minus strand). Cytogenetic location: 1q31.3.
Variant type: Deletion.
Coding change: c.4583del on transcript NM_018136.5 (MANE Select); coding-DNA position 4583, one base deleted (A; older notation c.4583delA).
Protein change: p.Lys1528fs; shifts the reading frame from lysine 1528.
Molecular consequence: frameshift variant. On other transcripts: intron variant (1).
Genome position (GRCh38, 1-based): chr1:197,104,668, T deleted on the plus strand (A on the coding strand, the reverse complement: ASPM is on the minus strand); the first of 3 consecutive T bases (chr1:197,104,668-197,104,670); deleting any one gives the same sequence. VCF-style (leftmost placement, unchanged base first): chr1-197104667-CT-C. GRCh37 (hg19) VCF-style: chr1-197073797-CT-C.
Other names: c.4066-8504del (NM_001206846.2); c.4581delA (NM_018136.4); c.4583delA (NM_018136.4); c.4583del (NM_018136.4); short protein forms K1528fs.
Identifiers: ClinVar variation 21587 (VCV000021587.7), dbSNP rs199422164, ClinGen allele CA342255.

ClinVar aggregate classification (germline): Pathogenic. Review status: criteria provided, multiple submitters, no conflicts (2 of 4 stars). 3 submissions from 3 submitters: Pathogenic (2). 1 of the submissions does not count toward it. Last evaluated 2025-06-04.

Conditions:
Inborn genetic diseases. Identifiers: MedGen C0950123, MeSH D030342.
Microcephaly 5, primary, autosomal recessive (MCPH5). Also called: ASPM Primary Microcephaly. Identifiers: Orphanet 2512, MedGen C1837501, MONDO:0012106, OMIM 608716.

Submissions (3):

GeneDx
Classification: Pathogenic. Last evaluated: 2025-06-04. Review status: criteria provided, single submitter. Criteria: GeneDx Variant Classification Process June 2021. Collection method: clinical testing. Allele origin: germline. Affected: yes.
Comment: Frameshift variant predicted to result in protein truncation or nonsense mediated decay in a gene for which loss of function is a known mechanism of disease; Not observed at significant frequency in large population cohorts (gnomAD); This variant is associated with the following publications: (PMID: 20301772, 37599996, 14574646)

Ambry Genetics
Classification: Pathogenic for Inborn genetic diseases. Last evaluated: 2018-10-02. Review status: criteria provided, single submitter. Criteria: Ambry exome assertion method (8-5-2015). Collection method: clinical testing. Allele origin: germline. Affected: yes. Observed: 1 variant allele.

GeneReviews
No classification provided. Condition: Microcephaly 5, primary, autosomal recessive. Review status: no classification provided. Collection method: literature only. Allele origin: unknown. Not counted in ClinVar's aggregate classification.

Literature cited by the submitters: PubMed 14574646 (cited by Ambry Genetics); PubMed 20301772 (cited by GeneReviews); NCBI Bookshelf NBK9587 (cited by GeneReviews).